The following is an entry in ClinVar:

ClinVar aggregate classification (germline): Conflicting classifications of pathogenicity. Review status: criteria provided, conflicting classifications (1 of 4 stars). 5 submissions from 5 submitters: Uncertain significance (2); Likely benign (1). 2 of the submissions do not count toward it. Last evaluated 2026-01-12.

Allele frequency attached by ClinVar (database versions not stated): TOPMed 0.00001; gnomAD exomes 0.00003; ExAC 0.00006.
gnomAD v4.1: 33 of 1,211,483 alleles (0.0027%); highest among the groups gnomAD compares: Middle Eastern, 0.32%; 1 homozygote.

Submissions (5):

Labcorp Genetics (formerly Invitae), Labcorp
Classification: Uncertain significance. Last evaluated: 2026-01-12. Review status: criteria provided, single submitter. Criteria: Invitae Variant Classification Sherloc (09022015). Collection method: clinical testing. Allele origin: germline.
Comment: This sequence change replaces arginine, which is basic and polar, with glutamine, which is neutral and polar, at codon 70 of the CACNA1F protein (p.Arg70Gln). This variant is present in population databases (rs781923569, gnomAD 0.008%). This variant has not been reported in the literature in individuals affected with CACNA1F-related conditions. ClinVar contains an entry for this variant (Variation ID: 191248). An algorithm developed to predict the effect of missense changes on protein structure and function (PolyPhen-2) suggests that this variant is likely to be disruptive. In summary, the available evidence is currently insufficient to determine the role of this variant in disease. Therefore, it has been classified as a Variant of Uncertain Significance.

Blueprint Genetics
Classification: Uncertain significance. Last evaluated: 2022-01-11. Review status: criteria provided, single submitter. Criteria: ACMG Guidelines, 2015. Collection method: clinical testing. Allele origin: germline.

Genomic Medicine Center of Excellence, King Faisal Specialist Hospital and Research Centre
Classification: Likely benign. Last evaluated: 2016-09-28. Review status: criteria provided, single submitter. Criteria: ACMG Guidelines, 2015. Collection method: research. Allele origin: germline. Affected: yes.

Clinical Genetics DNA and cytogenetics Diagnostics Lab, Erasmus MC, Erasmus Medical Center
Classification: Uncertain significance. Review status: no assertion criteria provided. Collection method: clinical testing. Allele origin: germline. Affected: yes. Study: VKGL Data-share Consensus. Not counted in ClinVar's aggregate classification.

Laboratory of Diagnostic Genome Analysis, Leiden University Medical Center (LUMC)
Classification: Uncertain significance. Review status: no assertion criteria provided. Collection method: clinical testing. Allele origin: germline. Affected: yes. Study: VKGL Data-share Consensus. Not counted in ClinVar's aggregate classification.

NM_001256789.3(CACNA1F):c.209G>A (p.Arg70Gln)

Gene: CACNA1F (calcium voltage-gated channel subunit alpha1 F; minus strand). Cytogenetic location: Xp11.23.
Variant type: single nucleotide variant.
Coding change: c.209G>A on transcript NM_001256789.3 (MANE Select); coding-DNA position 209, G replaced by A.
Protein change: p.Arg70Gln; replaces arginine 70 with glutamine.
Molecular consequence: missense variant. On other transcripts: intron variant (1).
Genome position (GRCh38, 1-based): chrX:49,231,744, C>T on the plus strand (G>A on the coding strand, the complement: CACNA1F is on the minus strand). VCF-style: chrX-49231744-C-T. GRCh37 (hg19) VCF-style: chrX-49088206-C-T.
Other names: c.209G>A, p.Arg70Gln (NM_005183.4); c.66-52G>A (NM_001256790.3); short protein forms R70Q.
Identifiers: ClinVar variation 191248 (VCV000191248.9), dbSNP rs781923569, ClinGen allele CA236352.